The following is an entry in ClinVar:

NM_001371928.1(AHDC1):c.2943C>G (p.Phe981Leu)

Gene: AHDC1 (AT-hook DNA binding motif containing 1; minus strand). Cytogenetic location: 1p36.11.
Variant type: single nucleotide variant.
Coding change: c.2943C>G on transcript NM_001371928.1 (MANE Select); coding-DNA position 2943, C replaced by G.
Protein change: p.Phe981Leu; replaces phenylalanine 981 with leucine.
Molecular consequence: missense variant.
Genome position (GRCh38, 1-based): chr1:27,549,173, G>C on the plus strand (C>G on the coding strand, the complement: AHDC1 is on the minus strand). VCF-style: chr1-27549173-G-C. GRCh37 (hg19) VCF-style: chr1-27875684-G-C.
Other names: c.2943C>G, p.Phe981Leu (NM_001029882.3); short protein forms F981L.
Identifiers: ClinVar variation 3354412 (VCV003354412.1).

ClinVar aggregate classification (germline): Uncertain significance (0 of 4 stars; one submission).

Conditions:
AHDC1-related disorder. Also called: AHDC1-related condition.

Submission:

PreventionGenetics, part of Exact Sciences
Classification: Uncertain significance for AHDC1-related condition. Last evaluated: 2024-08-01. Review status: no assertion criteria provided. Collection method: clinical testing. Allele origin: germline.
Comment: The AHDC1 c.2943C>G variant is predicted to result in the amino acid substitution p.Phe981Leu. To our knowledge, this variant has not been reported in the literature or in a large population database, indicating this variant is rare. A different nucleotide change at this position that results in the same amino acid change (c.2943C>A, p.Phe981Leu) has been reported in ClinVar as likely benign by an outside laboratory; however, additional information for this interpretation was not provided. De novo missense variants have been reported in patients with suspected Xia-Gibbs syndrome; however, many of these clustered to two domains of the protein (amino acids positions 537-607 and C-terminus of protein in REV3L domain; See Figure 1 in Khayat et al. 2021. PubMed ID: 34950897). The p.Phe981Leu variant does not reside in either of these clusters or near other reported missense variants. In addition, two of four in silico predications indicate this variant is tolerated and caution is indicated in interpretation of missense variants in the AHDC1 gene (Khayat et al. 2021. PubMed ID: 34950897). Although we suspect this variant could be pathogenic, at this time, the clinical significance of this variant is uncertain due to the absence of conclusive functional and genetic evidence.